The following is an entry in ClinVar:

NM_003000.3(SDHB):c.201-1G>A

Gene: SDHB (succinate dehydrogenase complex iron sulfur subunit B; minus strand). Cytogenetic location: 1p36.13.
Variant type: single nucleotide variant.
Coding change: c.201-1G>A on transcript NM_003000.3 (MANE Select); the canonical splice acceptor site of the intron before coding-DNA position 201, G replaced by A.
Molecular consequence: splice acceptor variant.
Genome position (GRCh38, 1-based): chr1:17,033,146, C>T on the plus strand (G>A on the coding strand, the complement: SDHB is on the minus strand). VCF-style: chr1-17033146-C-T. GRCh37 (hg19) VCF-style: chr1-17359641-C-T.
Other names: c.201-1G>A (NM_001407361.1).
Identifiers: ClinVar variation 3774482 (VCV003774482.1).

ClinVar aggregate classification (germline): Pathogenic (1 of 4 stars; one submission).

Conditions:
Hereditary cancer-predisposing syndrome. Also called: Tumor predisposition; Hereditary Cancer Syndrome; Neoplastic Syndromes, Hereditary; Hereditary neoplastic syndrome. Identifiers: Orphanet 140162, MedGen C0027672, MeSH D009386, MONDO:0015356.

Submission:

Molecular Diagnostics Laboratory, Catalan Institute of Oncology
Classification: Pathogenic for Hereditary cancer-predisposing syndrome. Last evaluated: 2024-12-03. Review status: criteria provided, single submitter. Criteria: ACMG Guidelines, 2015. Collection method: clinical testing. Allele origin: germline.
Comment: PVS1, PS4_Supporting, PM2_Supporting c.201-1G>A, located in a canonic splicing site of the SDHB gene is predicted to alter splicing, probably causing the skipping of exon 3 (r.201_286del). This alteration is expected to result in loss of function by premature protein truncation and nonsense-mediated mRNA decay (p.Cys68Hisfs*22) (PVS1). It is not present in the population database gnomAD v2.1.1, non-cancer dataset (PM2_supporting). As expected, SpliceAI predicts, with a significant score, that the variant abolishes the splicing acceptor site in intron 2. To our knowledge, no functional studies have been reported for this variant. This variant has been reported in two individuals affected with paragangliomas (PMID: 19454582, internal data). This variant has been reported in LOVD database (2x pathogenic) but not in ClinVar database. c.201-1G>A variant has the same predicted impact on splicing as the pathogenic variant c.201-2A>C (PVS1 (RNA) + PM2_Supporting + PP4_Supporting) for which an RNA study showed alteration of splicing with the out-of-frame skipping of exon 3 (r.201_286del; p.Cys68Hisfs*22) (PMID 29925701). Based on currently available information, the variant c.201-1G>A should be considered a pathogenic variant.